The following is an entry in ClinVar:

ClinVar aggregate classification (germline): Uncertain significance (1 of 4 stars; one submission).

Conditions:
Immunodeficiency, common variable, 7. Identifiers: Orphanet 1572, Orphanet 696894, MedGen C3542922, MONDO:0013862, OMIM 614699.

Allele frequency attached by ClinVar (database versions not stated): gnomAD 0.00001 and 0.00003; TOPMed 0.00001.
gnomAD v4.1: 13 of 1,613,648 alleles (0.00081%); highest among the groups gnomAD compares: Non-Finnish European, 0.0011%; no homozygotes.

Submission:

Labcorp Genetics (formerly Invitae), Labcorp
Classification: Uncertain significance for Immunodeficiency, common variable, 7. Last evaluated: 2022-08-23. Review status: criteria provided, single submitter. Criteria: Invitae Variant Classification Sherloc (09022015). Collection method: clinical testing. Allele origin: germline.
Comment: This sequence change replaces serine, which is neutral and polar, with phenylalanine, which is neutral and non-polar, at codon 743 of the CR2 protein (p.Ser743Phe). This variant is present in population databases (no rsID available, gnomAD 0.007%). This variant has not been reported in the literature in individuals affected with CR2-related conditions. ClinVar contains an entry for this variant (Variation ID: 569879). Algorithms developed to predict the effect of missense changes on protein structure and function are either unavailable or do not agree on the potential impact of this missense change (SIFT: "Deleterious"; PolyPhen-2: "Probably Damaging"; Align-GVGD: "Class C0"). In summary, the available evidence is currently insufficient to determine the role of this variant in disease. Therefore, it has been classified as a Variant of Uncertain Significance.

NM_001006658.3(CR2):c.2228C>T (p.Ser743Phe)

Gene: CR2 (complement C3d receptor 2; plus strand). Cytogenetic location: 1q32.2.
Variant type: single nucleotide variant.
Coding change: c.2228C>T on transcript NM_001006658.3 (MANE Select); coding-DNA position 2228, C replaced by T.
Protein change: p.Ser743Phe; replaces serine 743 with phenylalanine.
Molecular consequence: missense variant.
Genome position (GRCh38, 1-based): chr1:207,473,873, C>T. VCF-style: chr1-207473873-C-T. GRCh37 (hg19) VCF-style: chr1-207647218-C-T.
Other names: c.2051C>T, p.Ser684Phe (NM_001877.5); short protein forms S743F, S684F.
Identifiers: ClinVar variation 569879 (VCV000569879.6), dbSNP rs1357626624, ClinGen allele CA344536598.
Genomic context (GRCh38, chr1:207,473,873, plus strand): 5'-ATGTGAGACAGAGTCTTCAAGAACTTCCAGCTGGTTCACGTGTGGAGCTAGTTAATACGT[C>T]CTGCCAAGATGGGTGAGTATGAAGTGGTCTATTCTGAGAAAAGGTCTCAACCTTGTTTTG-3'
Protein context (NP_001006659.1, residues 733-753): AGSRVELVNT[Ser743Phe]CQDGYQLTGH